The following is an entry in ClinVar:

ClinVar aggregate classification (germline): Uncertain significance (1 of 4 stars; one submission).

Submission:

CeGaT Center for Human Genetics Tuebingen
Classification: Uncertain significance. Last evaluated: 2026-09-01. Review status: criteria provided, single submitter. Criteria: CeGaT Center For Human Genetics Tuebingen Variant Classification Criteria Version 2. Collection method: clinical testing. Allele origin: germline. Affected: yes. Observed: 2 variant alleles.
Comment: CDK13: PM2

NM_003718.5(CDK13):c.965G>C (p.Arg322Pro)

Gene: CDK13 (cyclin dependent kinase 13; plus strand). Cytogenetic location: 7p14.1.
Variant type: single nucleotide variant.
Coding change: c.965G>C on transcript NM_003718.5 (MANE Select); coding-DNA position 965, G replaced by C.
Protein change: p.Arg322Pro; replaces arginine 322 with proline.
Molecular consequence: missense variant.
Genome position (GRCh38, 1-based): chr7:39,951,606, G>C. VCF-style: chr7-39951606-G-C. GRCh37 (hg19) VCF-style: chr7-39991205-G-C.
Other names: c.965G>C, p.Arg322Pro (NM_031267.4); short protein forms R322P.
Identifiers: ClinVar variation 2673101 (VCV002673101.23), dbSNP rs1414182204, ClinGen allele CA367311006.